The following is an entry in ClinVar:

NM_001142800.2(EYS):c.6632C>T (p.Ser2211Leu)

Gene: EYS (EGF-like photoreceptor maintenance factor; minus strand). Cytogenetic location: 6q12.
Variant type: single nucleotide variant.
Coding change: c.6632C>T on transcript NM_001142800.2 (MANE Select); coding-DNA position 6632, C replaced by T.
Protein change: p.Ser2211Leu; replaces serine 2211 with leucine.
Molecular consequence: missense variant.
Genome position (GRCh38, 1-based): chr6:64,066,431, G>A on the plus strand (C>T on the coding strand, the complement: EYS is on the minus strand). VCF-style: chr6-64066431-G-A. GRCh37 (hg19) VCF-style: chr6-64776324-G-A.
Other names: c.6632C>T, p.Ser2211Leu (NM_001292009.2); short protein forms S2211L.
Identifiers: ClinVar variation 555265 (VCV000555265.24), dbSNP rs145623359, ClinGen allele CA3876892.

ClinVar aggregate classification (germline): Conflicting classifications of pathogenicity. Review status: criteria provided, conflicting classifications (1 of 4 stars). 9 submissions from 9 submitters: Uncertain significance (3); Likely benign (4). 2 of the submissions do not count toward it. Last evaluated 2026-07-07.

Conditions:
Retinal dystrophy. Also called: Inherited retinal dystrophy. Identifiers: Orphanet 71862, MedGen C0854723, MeSH D058499, MONDO:0019118, HP:0000556.
Retinitis pigmentosa (RP). Identifiers: Orphanet 791, MedGen C0035334, MeSH D012174, MONDO:0019200, OMIM 268000. Inheritance: Autosomal dominant, autosomal recessive and X linked inheritance.
EYS-related disorder. Also called: EYS-related condition.
Retinitis pigmentosa 25 (RP25). Identifiers: Orphanet 791, MedGen C1864446, MONDO:0011272, OMIM 602772.

Allele frequency attached by ClinVar (database versions not stated): gnomAD exomes 0.00021 and 0.00035; ExAC 0.00023; 1000 Genomes Project 30x 0.00078; 1000 Genomes Project 0.00080; ESP Exome Variant Server 0.00131; gnomAD 0.00140 and 0.00148; TOPMed 0.00153.
gnomAD v4.1: 531 of 1,549,446 alleles (0.034%); highest among the groups gnomAD compares: African/African-American, 0.4%; no homozygotes.

Submissions (9):

PreventionGenetics, part of Exact Sciences
Classification: Uncertain significance for EYS-related condition. Last evaluated: 2026-07-07. Review status: criteria provided, single submitter. Criteria: ACMG Guidelines, 2015. Collection method: clinical testing. Allele origin: germline.
Comment: The EYS c.6632C>T variant is predicted to result in the amino acid substitution p.Ser2211Leu. This variant has been reported, in the heterozygous state along with a second potentially causative variant, in individuals with retinitis pigmentosa (Barragán et al. 2010. PubMed ID: 21069908; Table S4, Panneman et al. 2023. PubMed ID: 36819107). This variant was also reported in cohorts of individuals with inherited retinal dystrophy (Table S4, Mihalich et al. 2024. PubMed ID: 38927702; Audo et al. 2010. PubMed ID: 20333770); additional information was not provided. However, this variant is reported in 0.36% of alleles in individuals of African descent in gnomAD, indicating this variant is relatively common. Although we suspect that this variant may be benign, the clinical significance of this variant is currently classified as uncertain due to the absence of conclusive functional and genetic evidence.

Labcorp Genetics (formerly Invitae), Labcorp
Classification: Likely benign. Last evaluated: 2026-01-28. Review status: criteria provided, single submitter. Criteria: Invitae Variant Classification Sherloc (09022015). Collection method: clinical testing. Allele origin: germline.

Revvity Omics, Revvity
Classification: Uncertain significance for Retinitis pigmentosa 25. Last evaluated: 2025-03-13. Review status: criteria provided, single submitter. Criteria: ACMG Guidelines, 2015. Collection method: clinical testing. Allele origin: germline.

Blueprint Genetics
Classification: Likely benign. Last evaluated: 2024-11-25. Review status: criteria provided, single submitter. Criteria: ACMG Guidelines, 2015. Collection method: clinical testing. Allele origin: germline.

Institute of Human Genetics, Univ. Regensburg, Univ. Regensburg
Classification: Uncertain significance for Retinal dystrophy. Last evaluated: 2022-01-01. Review status: criteria provided, single submitter. Criteria: ACMG Guidelines, 2015. Collection method: clinical testing. Allele origin: germline. Affected: yes.

Dubai Health Genomic Medicine Center, Dubai Health
Classification: Likely benign for Retinitis pigmentosa 25. Last evaluated: 2020-01-02. Review status: criteria provided, single submitter. Criteria: ACMG Guidelines, 2015. Collection method: clinical testing. Allele origin: germline. Affected: yes.

GeneDx
Classification: Likely benign. Last evaluated: 2019-01-16. Review status: criteria provided, single submitter. Criteria: GeneDx Variant Classification Process June 2021. Collection method: clinical testing. Allele origin: germline. Affected: yes.
Comment: This variant is associated with the following publications: (PMID: 21069908, 20333770)

Natera, Inc.
Classification: Uncertain significance for Retinitis pigmentosa. Last evaluated: 2020-09-16. Review status: no assertion criteria provided. Collection method: clinical testing. Allele origin: germline. Not counted in ClinVar's aggregate classification.

Counsyl
Classification: Uncertain significance for Retinitis pigmentosa 25. Last evaluated: 2017-11-27. Review status: no assertion criteria provided. Collection method: clinical testing. Allele origin: unknown. Not counted in ClinVar's aggregate classification.

Literature cited by the submitters: PubMed 21069908 (cited by Institute of Human Genetics, Univ. Regensburg, Univ. Regensburg and Counsyl); PubMed 36819107 (cited by Institute of Human Genetics, Univ. Regensburg, Univ. Regensburg); PubMed 20333770 (cited by Counsyl).